The following is an entry in ClinVar:

NM_001375.3(DNASE2):c.630C>T (p.Pro210=)

Gene: DNASE2 (deoxyribonuclease 2, lysosomal; minus strand). Cytogenetic location: 19p13.13.
Variant type: single nucleotide variant.
Coding change: c.630C>T on transcript NM_001375.3 (MANE Select); coding-DNA position 630, C replaced by T.
Protein change: p.Pro210=; no amino-acid change (proline 210 retained).
Molecular consequence: synonymous variant.
Genome position (GRCh38, 1-based): chr19:12,878,461, G>A on the plus strand (C>T on the coding strand, the complement: DNASE2 is on the minus strand). VCF-style: chr19-12878461-G-A. GRCh37 (hg19) VCF-style: chr19-12989275-G-A.
Identifiers: ClinVar variation 1917118 (VCV001917118.29), dbSNP rs1024208306, ClinGen allele CA305497928.

ClinVar aggregate classification (germline): Likely benign. Review status: criteria provided, multiple submitters, no conflicts (2 of 4 stars). 2 submissions from 2 submitters: Likely benign (2). Last evaluated 2023-10-09.

Allele frequency attached by ClinVar (database versions not stated): gnomAD exomes 0.00001.
gnomAD v4.1: 9 of 1,613,956 alleles (0.00056%); highest among the groups gnomAD compares: Middle Eastern, 0.085%; no homozygotes.

Submissions (2):

Labcorp Genetics (formerly Invitae), Labcorp
Classification: Likely benign. Last evaluated: 2023-10-09. Review status: criteria provided, single submitter. Criteria: Invitae Variant Classification Sherloc (09022015). Collection method: clinical testing. Allele origin: germline.

CeGaT Center for Human Genetics Tuebingen
Classification: Likely benign. Last evaluated: 2023-09-01. Review status: criteria provided, single submitter. Criteria: CeGaT Center For Human Genetics Tuebingen Variant Classification Criteria Version 2. Collection method: clinical testing. Allele origin: germline. Affected: yes. Observed: 1 variant allele.
Comment: DNASE2: BP4, BP7